The following is an entry in ClinVar:

NM_000094.4(COL7A1):c.6815G>C (p.Gly2272Ala)

Gene: COL7A1 (collagen type VII alpha 1 chain; minus strand). Cytogenetic location: 3p21.31.
Variant type: single nucleotide variant.
Coding change: c.6815G>C on transcript NM_000094.4 (MANE Select); coding-DNA position 6815, G replaced by C.
Protein change: p.Gly2272Ala; replaces glycine 2272 with alanine.
Molecular consequence: missense variant.
Genome position (GRCh38, 1-based): chr3:48,572,878, C>G on the plus strand (G>C on the coding strand, the complement: COL7A1 is on the minus strand). VCF-style: chr3-48572878-C-G. GRCh37 (hg19) VCF-style: chr3-48610311-C-G.
Other names: short protein forms G2272A.
Identifiers: ClinVar variation 2203361 (VCV002203361.4), dbSNP rs2530912560, ClinGen allele CA352654614.

ClinVar aggregate classification (germline): Likely pathogenic (1 of 4 stars; one submission).

Allele frequency attached by ClinVar (database versions not stated): gnomAD exomes below 0.00001.
gnomAD v4.1: 3 of 1,614,056 alleles (0.00019%); highest among the groups gnomAD compares: Non-Finnish European, 0.00025%; no homozygotes.

Submission:

Labcorp Genetics (formerly Invitae), Labcorp
Classification: Likely pathogenic. Last evaluated: 2022-01-06. Review status: criteria provided, single submitter. Criteria: Invitae Variant Classification Sherloc (09022015). Collection method: clinical testing. Allele origin: germline.
Comment: In summary, the currently available evidence indicates that the variant is pathogenic, but additional data are needed to prove that conclusively. Therefore, this variant has been classified as Likely Pathogenic. This variant disrupts the triple helix domain of COL7A1. Glycine residues within the Gly-Xaa-Yaa repeats of the triple helix domain are required for the structure and stability of fibrillar collagens (PMID: 7695699, 8218237, 19344236), and variants at these glycine residues in COL7A1 are more frequently observed in individuals with disease than in the general population (PMID: 22058051). However, the clinical significance of this observation remains uncertain since only a limited number of affected individuals have been described to date. Advanced modeling of protein sequence and biophysical properties (such as structural, functional, and spatial information, amino acid conservation, physicochemical variation, residue mobility, and thermodynamic stability) performed at Invitae indicates that this missense variant is expected to disrupt COL7A1 protein function. This missense change has been observed in individual(s) with autosomal recessive dystrophic epidermolysis bullosa (PMID: 21113014, 21448560; Invitae). In at least one individual the data is consistent with being in trans (on the opposite chromosome) from a pathogenic variant. This variant is not present in population databases (gnomAD no frequency). This sequence change replaces glycine, which is neutral and non-polar, with alanine, which is neutral and non-polar, at codon 2272 of the COL7A1 protein (p.Gly2272Ala).

Literature cited by the submitters: PubMed 7695699; PubMed 8218237; PubMed 19344236; PubMed 22058051; PubMed 21113014; PubMed 21448560.